The following is an entry in ClinVar:

NM_000492.4(CFTR):c.638G>A (p.Gly213Glu)

Gene: CFTR (CF transmembrane conductance regulator; plus strand). Cytogenetic location: 7q31.2.
Variant type: single nucleotide variant.
Coding change: c.638G>A on transcript NM_000492.4 (MANE Select); coding-DNA position 638, G replaced by A.
Protein change: p.Gly213Glu; replaces glycine 213 with glutamic acid.
Molecular consequence: missense variant.
Genome position (GRCh38, 1-based): chr7:117,535,306, G>A. VCF-style: chr7-117535306-G-A. GRCh37 (hg19) VCF-style: chr7-117175360-G-A.
Other names: short protein forms G213E.
Identifiers: ClinVar variation 411118 (VCV000411118.35), dbSNP rs775701644, ClinGen allele CA4450789.
Genomic context (GRCh38, chr7:117,535,306, plus strand): 5'-AGGGACTTGCATTGGCACATTTCGTGTGGATCGCTCCTTTGCAAGTGGCACTCCTCATGG[G>A]GCTAATCTGGGAGTTGTTACAGGCGTCTGCCTTCTGTGGACTTGGTTTCCTGATAGTCCT-3'
Protein context (NP_000483.3, residues 203-223): IAPLQVALLM[Gly213Glu]LIWELLQASA

ClinVar aggregate classification (germline): Uncertain significance. Review status: criteria provided, multiple submitters, no conflicts (2 of 4 stars). 11 submissions from 11 submitters: Uncertain significance (10). 1 of the submissions does not count toward it. Last evaluated 2026-01-26.

Conditions:
CFTR-related disorder (CFTR-RD). Also called: CFTR-related disorders; CFTR-related condition. Identifiers: MedGen C5924204, MONDO:7770004.
Hereditary pancreatitis (PCTT). Also called: PRSS1-Related Hereditary Pancreatitis; Hereditary chronic pancreatitis. Identifiers: Orphanet 676, MedGen C0238339, MONDO:0008185, OMIM 167800.
Bronchiectasis with or without elevated sweat chloride 1 (BESC1). Also called: Cystic Fibrosis-Like Syndrome. Identifiers: Orphanet 60033, MedGen C2749757, MONDO:0008887, OMIM 211400.
Congenital bilateral aplasia of vas deferens from CFTR mutation (CBAVD). Identifiers: Orphanet 48, MedGen C0403814, MONDO:0010178, OMIM 277180. Disease mechanism: loss of function.
Cystic fibrosis (CF). Also called: MUCOVISCIDOSIS. Identifiers: Orphanet 586, MedGen C0010674, MONDO:0009061, OMIM 219700. Disease mechanism: loss of function.

Allele frequency attached by ClinVar (database versions not stated): ExAC 0.00001; gnomAD 0.00002 and 0.00004; gnomAD exomes 0.00003; TOPMed 0.00003.
gnomAD v4.1: 82 of 1,613,906 alleles (0.0051%); highest among the groups gnomAD compares: Non-Finnish European, 0.0066%; no homozygotes.

Submissions (11):

Women's Health and Genetics/Laboratory Corporation of America, LabCorp
Classification: Uncertain significance. Last evaluated: 2026-01-26. Review status: criteria provided, single submitter. Criteria: LabCorp Variant Classification Summary - May 2015. Collection method: clinical testing. Allele origin: germline.
Comment: Variant summary: CFTR c.638G>A (p.Gly213Glu) results in a non-conservative amino acid change in the encoded protein sequence. Algorithms developed to predict the effect of missense changes on protein structure and function all suggest that this variant is likely to be disruptive. The variant allele was found at a frequency of 3.2e-05 in 251458 control chromosomes. c.638G>A has been observed in individuals affected with or with an inconclusive diagnosis of Cystic Fibrosis, without strong evidence for causality (Seia_2009, Lucarelli_2017, Skov_2020, Raraigh_2022). These reports do not provide unequivocal conclusions about association of the variant with Cystic Fibrosis. At least one publication reports experimental evidence evaluating an impact on protein function. The most pronounced variant effect resulted in approximately 19% of normal chloride channel conductance relative to wild type (e.g., Bihler_2024). The following publications have been ascertained in the context of this evaluation (PMID: 38388235, 28736296, 34782259, 19318035, 31682332). ClinVar contains an entry for this variant (Variation ID: 411118). Based on the evidence outlined above, the variant was classified as VUS-possibly pathogenic.

Mayo Clinic Laboratories, Mayo Clinic
Classification: Uncertain significance. Last evaluated: 2025-08-25. Review status: criteria provided, single submitter. Criteria: ACMG Guidelines, 2015. Collection method: clinical testing. Allele origin: germline. Observed: 2 variant alleles.
Comment: PP3_moderate

PreventionGenetics, part of Exact Sciences
Classification: Uncertain significance for CFTR-related condition. Last evaluated: 2025-06-27. Review status: criteria provided, single submitter. Criteria: ACMG Guidelines, 2015. Collection method: clinical testing. Allele origin: germline.
Comment: The CFTR c.638G>A variant is predicted to result in the amino acid substitution p.Gly213Glu. This variant has been detected in two cohorts of patients with cystic fibrosis and in children with positive newborn screening and borderline sweat chloride (32-39mEq/l) (Lucarelli et al. 2017. PubMed ID: 28736296; Table S1, Raraigh et al. 2021. PubMed ID: 34782259; Seia et al. 2009. PubMed ID: 19318035; Skov et al. 2020. PubMed ID: 31682332). Functional studies have found that this variant results in 19.5% residual CFTR function when alone and 11.8% when in cis with p.Arg688Cys, forming the complex allele c.[638G>A;2002C>T] (p.[Gly213Glu;Arg668Cys]) (Table S1, Bihler et al. 2024. PubMed ID: 38388235). This variant is reported in 0.0070% of alleles in individuals of European (Non-Finnish) descent in gnomAD. At this time, the clinical significance of this variant is uncertain due to the absence of conclusive functional and genetic evidence.

Ambry Genetics
Classification: Uncertain significance for Cystic fibrosis. Last evaluated: 2024-03-22. Review status: criteria provided, single submitter. Criteria: Ambry Variant Classification Scheme 2023. Collection method: clinical testing. Allele origin: germline.
Comment: The p.G213E variant (also known as c.638G>A), located in coding exon 6 of the CFTR gene, results from a G to A substitution at nucleotide position 638. The glycine at codon 213 is replaced by glutamic acid, an amino acid with similar properties. The infant was also reported to be heterozygous for the p.R352Q pathogenic mutation, phase unknown (Seia M, Clin. Biochem. 2009 May; 42(7-8):611-6). This amino acid position is highly conserved in available vertebrate species. In addition, this alteration is predicted to be deleterious by in silico analysis. Based on the available evidence, the clinical significance of this alteration remains unclear.

Baylor Genetics
Classification: Uncertain significance for Bronchiectasis with or without elevated sweat chloride 1. Last evaluated: 2023-05-21. Review status: criteria provided, single submitter. Criteria: ACMG Guidelines, 2015. Collection method: clinical testing. Allele origin: unknown.

Labcorp Genetics (formerly Invitae), Labcorp
Classification: Uncertain significance for Cystic fibrosis. Last evaluated: 2022-06-08. Review status: criteria provided, single submitter. Criteria: Invitae Variant Classification Sherloc (09022015). Collection method: clinical testing. Allele origin: germline.
Comment: This sequence change replaces glycine, which is neutral and non-polar, with glutamic acid, which is acidic and polar, at codon 213 of the CFTR protein (p.Gly213Glu). This variant is present in population databases (rs775701644, gnomAD 0.006%). This missense change has been observed in individual(s) with clinical features of CFTR-related conditions (PMID: 19318035). ClinVar contains an entry for this variant (Variation ID: 411118). Algorithms developed to predict the effect of missense changes on protein structure and function are either unavailable or do not agree on the potential impact of this missense change (SIFT: "Tolerated"; PolyPhen-2: "Probably Damaging"; Align-GVGD: "Class C0"). In summary, the available evidence is currently insufficient to determine the role of this variant in disease. Therefore, it has been classified as a Variant of Uncertain Significance.

Genome-Nilou Lab
Classification: Uncertain significance for Cystic fibrosis. Last evaluated: 2021-09-05. Review status: criteria provided, single submitter. Criteria: ACMG Guidelines, 2015. Collection method: clinical testing. Allele origin: germline. Affected: no.

ARUP Laboratories, Molecular Genetics and Genomics, ARUP Laboratories
Classification: Uncertain significance. Last evaluated: 2019-12-14. Review status: criteria provided, single submitter. Criteria: ARUP Molecular Germline Variant Investigation Process. Collection method: clinical testing. Allele origin: germline.
Comment: The CFTR c.638G>A; p.Gly213Glu variant (rs775701644) is reported in the literature in individuals affected with cystic fibrosis, but without clear disease association (Lucarelli 2017), and in the compound heterozygous state with a second pathogenic variant in an individual with a positive newborn screen by immunoreactive trypsinogen assay but normal sweat chloride levels (Seia 2009). This variant is reported in ClinVar (Variation ID: 411118), and is found in the non-Finnish European population with an allele frequency of 0.007% (9/129140 alleles) in the Genome Aggregation Database. The glycine at codon 213 is highly conserved, and computational analyses (SIFT: tolerated, PolyPhen-2: probably damaging) predict conflicting effects of this variant on protein structure/function. Given the lack of clinical and functional data, the significance of the p.Gly213Glu variant is uncertain at this time. References: Lucarelli M et al. A New Targeted CFTR Mutation Panel Based on Next-Generation Sequencing Technology. J Mol Diagn. 2017 Sep;19(5):788-800. Seia M et al. Borderline sweat test: Utility and limits of genetic analysis for the diagnosis of cystic fibrosis. Clin Biochem. 2009 May;42(7-8):611-6.

Johns Hopkins Genomics, Johns Hopkins University
Classification: Uncertain significance for Cystic fibrosis. Last evaluated: 2019-05-22. Review status: criteria provided, single submitter. Criteria: ACMG Guidelines, 2015. Collection method: clinical testing. Allele origin: germline.
Comment: This CFTR variant (rs775701644) is rare (<0.1%) in large population datasets (gnomAD: 9/282824 total alleles; 0.003%; no homozygotes). Two submitters in ClinVar classify this variant as uncertain clinical significance. CFTR c.638G>A has been identified in two patients who also carry a second damaging CFTR variant, however, the phenotypic information provided is discrepant. Of two bioinformatics tools queried, one predicts that the substitution would be probably damaging, while the second predicts that it would be tolerated. The glycine residue at this position is highly evolutionarily conserved across most species assessed. The clinical significance of c.638G>A is uncertain at this time.

Fulgent Genetics
Classification: Uncertain significance for Hereditary pancreatitis; Bronchiectasis with or without elevated sweat chloride 1; Cystic fibrosis; Congenital bilateral aplasia of vas deferens from CFTR mutation. Last evaluated: 2018-10-31. Review status: criteria provided, single submitter. Criteria: ACMG Guidelines, 2015. Collection method: clinical testing. Allele origin: unknown.

Natera, Inc.
Classification: Uncertain significance for Cystic Fibrosis. Last evaluated: 2018-08-28. Review status: no assertion criteria provided. Collection method: clinical testing. Allele origin: germline. Not counted in ClinVar's aggregate classification.

Literature cited by the submitters: PubMed 19318035 (cited by 3 submitters); PubMed 28736296 (cited by Women's Health and Genetics/Laboratory Corporation of America, LabCorp); PubMed 31682332 (cited by Women's Health and Genetics/Laboratory Corporation of America, LabCorp and Mayo Clinic Laboratories, Mayo Clinic); PubMed 34782259 (cited by Women's Health and Genetics/Laboratory Corporation of America, LabCorp and Mayo Clinic Laboratories, Mayo Clinic); PubMed 38388235 (cited by Women's Health and Genetics/Laboratory Corporation of America, LabCorp and Mayo Clinic Laboratories, Mayo Clinic); PubMed 34405919 (cited by Mayo Clinic Laboratories, Mayo Clinic).